The following is an entry in ClinVar:

NM_001349798.2(FBXW7):c.352A>G (p.Met118Val)

Gene: FBXW7 (F-box and WD repeat domain containing 7; minus strand). Cytogenetic location: 4q31.3.
Variant type: single nucleotide variant.
Coding change: c.352A>G on transcript NM_001349798.2 (MANE Select); coding-DNA position 352, A replaced by G.
Protein change: p.Met118Val; replaces methionine 118 with valine.
Molecular consequence: missense variant.
Genome position (GRCh38, 1-based): chr4:152,411,452, T>C on the plus strand (A>G on the coding strand, the complement: FBXW7 is on the minus strand). VCF-style: chr4-152411452-T-C. GRCh37 (hg19) VCF-style: chr4-153332604-T-C.
Other names: c.352A>G, p.Met118Val (NM_001257069.1, NM_033632.3); short protein forms M118V.
Identifiers: ClinVar variation 3093875 (VCV003093875.2), dbSNP rs2530778939, ClinGen allele CA358620119.

ClinVar aggregate classification (germline): Conflicting classifications of pathogenicity. Review status: criteria provided, conflicting classifications (1 of 4 stars). 2 submissions from 2 submitters: Uncertain significance (1); Likely benign (1). Last evaluated 2026-03-23.

Conditions:
Inborn genetic diseases. Identifiers: MedGen C0950123, MeSH D030342.
Developmental delay, hypotonia, and impaired language (DEDHIL). Identifiers: MedGen C5774202, MONDO:0859280, OMIM 620012.

Allele frequency attached by ClinVar (database versions not stated): gnomAD exomes below 0.00001.

Submissions (2):

Centre for Medical Genetics,  Mumbai
Classification: Likely benign for Developmental delay, hypotonia, and impaired language. Last evaluated: 2026-03-23. Review status: criteria provided, single submitter. Criteria: ACMG Guidelines, 2015. Collection method: provider interpretation. Allele origin: germline. Inheritance: Autosomal dominant inheritance. Affected: no. Observed: 1 variant allele, 1 heterozygote.
Comment: The variant satisfies PM2 criteria; Extremely low frequency in gnomAD population databases. The variant satisfies PP2 criteria; Missense variant in a gene with low rate of benign missense mutations and for which missense mutation is a common mechanism of a disease. However, the variant satisfies BS2 criteria.

Ambry Genetics
Classification: Uncertain significance for Inborn genetic diseases. Last evaluated: 2024-02-17. Review status: criteria provided, single submitter. Criteria: Ambry Variant Classification Scheme 2023. Collection method: clinical testing. Allele origin: germline.

Literature cited by the submitters: PubMed 35395208 (cited by Centre for Medical Genetics,  Mumbai).